The following is an entry in ClinVar:

NM_001267550.2(TTN):c.33742+8C>T

Gene: TTN (titin; minus strand). Cytogenetic location: 2q31.2.
Variant type: single nucleotide variant.
Coding change: c.33742+8C>T on transcript NM_001267550.2 (MANE Select); 8 bases into the intron after coding-DNA position 33742, C replaced by T.
Molecular consequence: intron variant.
Genome position (GRCh38, 1-based): chr2:178,679,331, G>A on the plus strand (C>T on the coding strand, the complement: TTN is on the minus strand). VCF-style: chr2-178679331-G-A. GRCh37 (hg19) VCF-style: chr2-179544058-G-A.
Other names: c.13283-37014C>T (NM_003319.4); c.13859-37014C>T (NM_133437.4); c.13658-37014C>T (NM_133432.3); c.30010+8C>T (NM_133378.4); c.32791+8C>T (NM_001256850.1).
Identifiers: ClinVar variation 378813 (VCV000378813.43), dbSNP rs375939001, ClinGen allele CA1998254.
Genomic context (GRCh38, chr2:178,679,331, plus strand): 5'-TGGCTCACCAAGTTATGCTGCATGGGTGAATTATCATGCTATTCCACTGATGGATTATAA[G>A]GATGTACCTTTTGCTGGCGGAGGCTTCTCCTTTTTAGGAATAAGCACAGGAACTTTCTCC-3'

ClinVar aggregate classification (germline): Benign/Likely benign. Review status: criteria provided, multiple submitters, no conflicts (2 of 4 stars). 12 submissions from 9 submitters: Benign (6); Likely benign (4). 2 of the submissions do not count toward it. Last evaluated 2026-08-01.

Conditions:
Myopathy, myofibrillar, 9, with early respiratory failure (MFM9). Also called: Hereditary myopathy with early respiratory failure; Myopathy, distal, with early respiratory failure, autosomal dominant; MYOPATHY, PROXIMAL, WITH EARLY RESPIRATORY MUSCLE INVOLVEMENT; EDSTROM MYOPATHY. Identifiers: Orphanet 178464, Orphanet 34521, MedGen C1863599, MONDO:0011362, OMIM 603689.
Early-onset myopathy with fatal cardiomyopathy (CMYO5). Also called: Salih Myopathy; CONGENITAL MYOPATHY 5 WITH CARDIOMYOPATHY. Identifiers: Orphanet 289377, MedGen C2673677, MONDO:0012714, OMIM 611705. Disease mechanism: loss of function.
Autosomal recessive limb-girdle muscular dystrophy type 2J (LGMDR10). Also called: Limb-girdle muscular dystrophy, type 2J; MUSCULAR DYSTROPHY, LIMB-GIRDLE, AUTOSOMAL RECESSIVE 10. Identifiers: Orphanet 140922, MedGen C1837342, MONDO:0012127, OMIM 608807.
Tibial muscular dystrophy (TMD). Also called: Tibial muscular dystrophy, tardive; Udd Distal Myopathy – Tibial Muscular Dystrophy; UDD MYOPATHY. Identifiers: Orphanet 609, MedGen C1838244, MONDO:0010870, OMIM 600334.
Dilated cardiomyopathy 1G (CMD1G). Identifiers: Orphanet 154, MedGen C1858763, MONDO:0011400, OMIM 604145.

Allele frequency attached by ClinVar (database versions not stated): gnomAD 0.00008 and 0.00017; TOPMed 0.00015; ESP Exome Variant Server 0.00017; 1000 Genomes Project 0.00020; gnomAD exomes 0.00030 and 0.00054; 1000 Genomes Project 30x 0.00031; ExAC 0.00071.
gnomAD v4.1: 471 of 1,612,146 alleles (0.029%); highest among the groups gnomAD compares: South Asian, 0.33%; 10 homozygotes.

Submissions (12):

CeGaT Center for Human Genetics Tuebingen
Classification: Likely benign. Last evaluated: 2026-08-01. Review status: criteria provided, single submitter. Criteria: CeGaT Center For Human Genetics Tuebingen Variant Classification Criteria Version 2. Collection method: clinical testing. Allele origin: germline. Affected: yes. Observed: 5 variant alleles.
Comment: TTN: BP4

Labcorp Genetics (formerly Invitae), Labcorp
Classification: Benign for Dilated cardiomyopathy 1G; Autosomal recessive limb-girdle muscular dystrophy type 2J. Last evaluated: 2026-01-21. Review status: criteria provided, single submitter. Criteria: Invitae Variant Classification Sherloc (09022015). Collection method: clinical testing. Allele origin: germline.

Athena Diagnostics
Classification: Benign. Last evaluated: 2024-12-23. Review status: criteria provided, single submitter. Criteria: Athena Diagnostics Criteria. Collection method: clinical testing. Allele origin: unknown.
Comment: The frequency of this variant in the general population is higher than would generally be expected for pathogenic variants in this gene. Computational tools yielded predictions that this variant is unlikely to have an effect on normal RNA splicing. This nucleotide position exhibits low evolutionary conservation.

Blueprint Genetics
Classification: Likely benign. Last evaluated: 2024-07-05. Review status: criteria provided, single submitter. Criteria: ACMG Guidelines, 2015. Collection method: clinical testing. Allele origin: germline.

Genome-Nilou Lab
Classification: Benign for Autosomal recessive limb-girdle muscular dystrophy type 2J. Last evaluated: 2021-09-10. Review status: criteria provided, single submitter. Criteria: ACMG Guidelines, 2015. Collection method: clinical testing. Allele origin: germline. Affected: no.

Genome-Nilou Lab
Classification: Benign for Myopathy, myofibrillar, 9, with early respiratory failure. Last evaluated: 2021-09-10. Review status: criteria provided, single submitter. Criteria: ACMG Guidelines, 2015. Collection method: clinical testing. Allele origin: germline. Affected: no.

Genome-Nilou Lab
Classification: Benign for Early-onset myopathy with fatal cardiomyopathy. Last evaluated: 2021-09-10. Review status: criteria provided, single submitter. Criteria: ACMG Guidelines, 2015. Collection method: clinical testing. Allele origin: germline. Affected: no.

Genome-Nilou Lab
Classification: Benign for Tibial muscular dystrophy. Last evaluated: 2021-09-10. Review status: criteria provided, single submitter. Criteria: ACMG Guidelines, 2015. Collection method: clinical testing. Allele origin: germline. Affected: no.

GeneDx
Classification: Likely benign. Last evaluated: 2017-08-18. Review status: criteria provided, single submitter. Criteria: GeneDx Variant Classification (06012015). Collection method: clinical testing. Allele origin: germline. Affected: yes.
Comment: This variant is considered likely benign or benign based on one or more of the following criteria: it is a conservative change, it occurs at a poorly conserved position in the protein, it is predicted to be benign by multiple in silico algorithms, and/or has population frequency not consistent with disease.

Breakthrough Genomics
Classification: Likely benign. Review status: criteria provided, single submitter. Criteria: ACMG Guidelines, 2015. Collection method: not provided. Allele origin: germline. Inheritance: Autosomal recessive inheritance. Affected: yes.

Clinical Genetics, Academic Medical Center
Classification: Benign. Review status: no assertion criteria provided. Collection method: clinical testing. Allele origin: germline. Affected: yes. Study: VKGL Data-share Consensus. Not counted in ClinVar's aggregate classification.

Diagnostic Laboratory, Department of Genetics, University Medical Center Groningen
Classification: Likely benign. Review status: no assertion criteria provided. Collection method: clinical testing. Allele origin: germline. Affected: yes. Study: VKGL Data-share Consensus. Not counted in ClinVar's aggregate classification.

Literature cited by the submitters: PubMed 28771489 (cited by Athena Diagnostics).